The following is an entry in ClinVar:

ClinVar aggregate classification (germline): Likely pathogenic (1 of 4 stars; one submission).

Conditions:
Hereditary spherocytosis type 2. Also called: SPHEROCYTOSIS, TYPE 2, AUTOSOMAL DOMINANT. Identifiers: Orphanet 822, MedGen C2674219, MONDO:0000913, OMIM 616649.

Submission:

Department of Pediatrics, Duzce University
Classification: Likely pathogenic for Hereditary spherocytosis type 2. Last evaluated: 2024-02-12. Review status: criteria provided, single submitter. Criteria: ACMG Guidelines, 2015. Collection method: research. Allele origin: germline. Inheritance: Autosomal dominant inheritance. Affected: yes.
Comment: Putatively novel variant at the canonical +1 splice-donor position, predicted to disrupt splicing and cause loss of function; splicing/truncating loss-of-function is an established mechanism for autosomal dominant hereditary spherocytosis in SPTB (More and Kedar, Hum Genet 2025; DOI 10.1007/s00439-025-02748-8) (PVS1). Absent from population databases (PM2_supporting). Applied ACMG/AMP criteria: PVS1, PM2_supporting. Classification: Likely pathogenic.

Literature cited by the submitters: PubMed 40327078.

NM_001355436.2(SPTB):c.1182+1G>T

Gene: SPTB (spectrin beta, erythrocytic; minus strand). Cytogenetic location: 14q23.3.
Variant type: single nucleotide variant.
Coding change: c.1182+1G>T on transcript NM_001355436.2 (MANE Select); the canonical splice donor site of the intron after coding-DNA position 1182, G replaced by T.
Molecular consequence: splice donor variant.
Genome position (GRCh38, 1-based): chr14:64,797,728, C>A on the plus strand (G>T on the coding strand, the complement: SPTB is on the minus strand). VCF-style: chr14-64797728-C-A. GRCh37 (hg19) VCF-style: chr14-65264446-C-A.
Other names: c.1182+1G>T (NM_001024858.4, NM_001355437.2).
Identifiers: ClinVar variation 4852838 (VCV004852838.1).
Genomic context (GRCh38, chr14:64,797,728, plus strand): 5'-GTGTCCTTATCGGGAATTCAATCAATCTACTGTCAATGCATAACGGAAAATGCTGTGGTA[C>A]CCTGTTGATGTCAGACACTAGTTTCCCATCGTGGGGTGTGTACACTTTCTGATTGTTGGC-3'